The following is an entry in ClinVar:

NM_002519.3(NPAT):c.3249G>A (p.Met1083Ile)

Gene: NPAT (nuclear protein, coactivator of histone transcription; minus strand). Cytogenetic location: 11q22.3.
Variant type: single nucleotide variant.
Coding change: c.3249G>A on transcript NM_002519.3 (MANE Select); coding-DNA position 3249, G replaced by A.
Protein change: p.Met1083Ile; replaces methionine 1083 with isoleucine.
Molecular consequence: missense variant.
Genome position (GRCh38, 1-based): chr11:108,161,837, C>T on the plus strand (G>A on the coding strand, the complement: NPAT is on the minus strand). VCF-style: chr11-108161837-C-T. GRCh37 (hg19) VCF-style: chr11-108032564-C-T.
Other names: c.3270G>A, p.Met1090Ile (NM_001321307.1); short protein forms M1083I, M1090I.
Identifiers: ClinVar variation 1729373 (VCV001729373.4), dbSNP rs2077853924, ClinGen allele CA382511224.

ClinVar aggregate classification (germline): Uncertain significance. Review status: criteria provided, multiple submitters, no conflicts (2 of 4 stars). 2 submissions from 2 submitters: Uncertain significance (2). Last evaluated 2024-05-24.

Allele frequency attached by ClinVar (database versions not stated): TOPMed below 0.00001.

Submissions (2):

Ambry Genetics
Classification: Uncertain significance. Last evaluated: 2024-05-24. Review status: criteria provided, single submitter. Criteria: Ambry Variant Classification Scheme 2023. Collection method: clinical testing. Allele origin: germline.
Comment: The p.M1083I variant (also known as c.3249G>A), located in coding exon 17 of the NPAT gene, results from a G to A substitution at nucleotide position 3249. The methionine at codon 1083 is replaced by isoleucine, an amino acid with highly similar properties. This amino acid position is conserved. In addition, this alteration is predicted to be tolerated by in silico analysis. Since supporting evidence is limited at this time, the clinical significance of this alteration remains unclear.

Breakthrough Genomics
Classification: Uncertain significance. Review status: criteria provided, single submitter. Criteria: ACMG Guidelines, 2015. Collection method: not provided. Allele origin: germline. Inheritance: Unknown mechanism. Affected: yes.